The following is an entry in ClinVar:

ClinVar aggregate classification (germline): Uncertain significance (0 of 4 stars; one submission).

Conditions:
SEMA3B-related disorder. Also called: SEMA3B-related condition.

Submission:

PreventionGenetics, part of Exact Sciences
Classification: Uncertain significance for SEMA3B-related condition. Last evaluated: 2024-06-29. Review status: no assertion criteria provided. Collection method: clinical testing. Allele origin: germline.
Comment: The SEMA3B c.1464+1G>A variant is predicted to disrupt the GT donor site and interfere with normal splicing. To our knowledge, this variant has not been reported in the literature. This variant is reported in 0.0024% of alleles in individuals of European (Non-Finnish) descent in gnomAD. Loss-of-function has not been established as a disease mechanism for this gene, and therefore the clinical significance of this variant is currently uncertain due to the absence of conclusive functional and genetic evidence.

NM_001290060.2(SEMA3B):c.1449+1G>A

Gene: SEMA3B (semaphorin 3B; plus strand). Cytogenetic location: 3p21.31.
Variant type: single nucleotide variant.
Coding change: c.1449+1G>A on transcript NM_001290060.2 (MANE Select); the canonical splice donor site of the intron after coding-DNA position 1449, G replaced by A.
Molecular consequence: splice donor variant.
Genome position (GRCh38, 1-based): chr3:50,274,935, G>A. VCF-style: chr3-50274935-G-A. GRCh37 (hg19) VCF-style: chr3-50312366-G-A.
Other names: c.1449+1G>A (NM_004636.4); c.1446+1G>A (NM_001005914.3); c.1464+1G>A (NM_001290061.1); c.420+1G>A (NM_001290062.2, NM_001290063.2).
Identifiers: ClinVar variation 3357588 (VCV003357588.1).
Genomic context (GRCh38, chr3:50,274,935, plus strand): 5'-CCCAAGGGCAGTAGGCCCAGCGCAGAGGGGCTGCTCCTGGAGGAGCTGCACGTGTTTGAG[G>A]TGAGGCCTCACCCCCAGTCGCCCGGGACCCCCCCACCCCACTAAGCCCTGACCCCGTCGC-3'